The following is an entry in ClinVar:

NM_006912.6(RIT1):c.506A>G (p.Tyr169Cys)

Gene: RIT1 (Ras like without CAAX 1; minus strand). Cytogenetic location: 1q22.
Variant type: single nucleotide variant.
Coding change: c.506A>G on transcript NM_006912.6 (MANE Select); coding-DNA position 506, A replaced by G.
Protein change: p.Tyr169Cys; replaces tyrosine 169 with cysteine.
Molecular consequence: missense variant.
Genome position (GRCh38, 1-based): chr1:155,900,542, T>C on the plus strand (A>G on the coding strand, the complement: RIT1 is on the minus strand). VCF-style: chr1-155900542-T-C. GRCh37 (hg19) VCF-style: chr1-155870333-T-C.
Other names: c.398A>G, p.Tyr133Cys (NM_001256820.2); c.557A>G, p.Tyr186Cys (NM_001256821.2); short protein forms Y133C, Y169C, Y186C.
Identifiers: ClinVar variation 917582 (VCV000917582.10), dbSNP rs763208084, ClinGen allele CA1151780.

ClinVar aggregate classification (germline): Uncertain significance. Review status: criteria provided, multiple submitters, no conflicts (2 of 4 stars). 3 submissions from 3 submitters: Uncertain significance (3). Last evaluated 2024-05-31.

Conditions:
Noonan syndrome 8 (NS8). Identifiers: Orphanet 648, MedGen C3809233, MONDO:0014143, OMIM 615355.

Allele frequency attached by ClinVar (database versions not stated): gnomAD exomes 0.00003; TOPMed below 0.00001; ExAC 0.00003.
gnomAD v4.1: 8 of 1,614,174 alleles (0.0005%); highest among the groups gnomAD compares: Admixed American, 0.013%; no homozygotes.

Submissions (3):

Labcorp Genetics (formerly Invitae), Labcorp
Classification: Uncertain significance for Noonan syndrome 8. Last evaluated: 2024-05-31. Review status: criteria provided, single submitter. Criteria: Invitae Variant Classification Sherloc (09022015). Collection method: clinical testing. Allele origin: germline.
Comment: This sequence change replaces tyrosine, which is neutral and polar, with cysteine, which is neutral and slightly polar, at codon 169 of the RIT1 protein (p.Tyr169Cys). This variant is present in population databases (rs763208084, gnomAD 0.02%). This variant has not been reported in the literature in individuals affected with RIT1-related conditions. ClinVar contains an entry for this variant (Variation ID: 917582). Advanced modeling performed at Invitae incorporating data from internal and/or published experimental studies (Invitae) indicates that this missense variant is not expected to disrupt RIT1 function with a negative predictive value of 95%. In summary, the available evidence is currently insufficient to determine the role of this variant in disease. Therefore, it has been classified as a Variant of Uncertain Significance.

Genome-Nilou Lab
Classification: Uncertain significance for Noonan syndrome 8. Last evaluated: 2023-04-11. Review status: criteria provided, single submitter. Criteria: ACMG Guidelines, 2015. Collection method: clinical testing. Allele origin: germline. Affected: no.

Women's Health and Genetics/Laboratory Corporation of America, LabCorp
Classification: Uncertain significance. Last evaluated: 2020-01-20. Review status: criteria provided, single submitter. Criteria: LabCorp Variant Classification Summary - May 2015. Collection method: clinical testing. Allele origin: germline.
Comment: Variant summary: RIT1 c.506A>G (p.Tyr169Cys) results in a non-conservative amino acid change in the encoded protein sequence. Three of five in-silico tools predict a damaging effect of the variant on protein function. The variant allele was found at a frequency of 2.8e-05 in 251456 control chromosomes (gnomAD, exomes only). The available data on variant occurrences in the general population are insufficient to allow any conclusion about variant significance. To our knowledge, no occurrence of c.506A>G in individuals affected with Noonan Syndrome and Related Conditions and no experimental evidence demonstrating its impact on protein function have been reported. No clinical diagnostic laboratories have submitted clinical-significance assessments for this variant to ClinVar after 2014. Based on the evidence outlined above, the variant was classified as uncertain significance.